The following is an entry in ClinVar:

ClinVar aggregate classification (germline): Uncertain significance (1 of 4 stars; one submission).

Conditions:
DOCK2 deficiency. Also called: Immunodeficiency 40. Identifiers: Orphanet 447737, MedGen C4225328, MONDO:0014637, OMIM 616433.

Allele frequency attached by ClinVar (database versions not stated): TOPMed below 0.00001; gnomAD exomes 0.00003.
gnomAD v4.1: 36 of 1,614,048 alleles (0.0022%); highest among the groups gnomAD compares: Non-Finnish European, 0.0031%; no homozygotes.

Submission:

Labcorp Genetics (formerly Invitae), Labcorp
Classification: Uncertain significance for DOCK2 deficiency. Last evaluated: 2024-10-21. Review status: criteria provided, single submitter. Criteria: Invitae Variant Classification Sherloc (09022015). Collection method: clinical testing. Allele origin: germline.
Comment: This sequence change replaces arginine, which is basic and polar, with glutamine, which is neutral and polar, at codon 264 of the DOCK2 protein (p.Arg264Gln). This variant is present in population databases (no rsID available, gnomAD 0.0009%). This variant has not been reported in the literature in individuals affected with DOCK2-related conditions. ClinVar contains an entry for this variant (Variation ID: 1923178). An algorithm developed to predict the effect of missense changes on protein structure and function (PolyPhen-2) suggests that this variant is likely to be tolerated. In summary, the available evidence is currently insufficient to determine the role of this variant in disease. Therefore, it has been classified as a Variant of Uncertain Significance.

NM_004946.3(DOCK2):c.791G>A (p.Arg264Gln)

Gene: DOCK2 (dedicator of cytokinesis 2; plus strand). Cytogenetic location: 5q35.1.
Variant type: single nucleotide variant.
Coding change: c.791G>A on transcript NM_004946.3 (MANE Select); coding-DNA position 791, G replaced by A.
Protein change: p.Arg264Gln; replaces arginine 264 with glutamine.
Molecular consequence: missense variant. On other transcripts: non-coding transcript variant (1).
Genome position (GRCh38, 1-based): chr5:169,689,281, G>A. VCF-style: chr5-169689281-G-A. GRCh37 (hg19) VCF-style: chr5-169116285-G-A.
Other names: short protein forms R264Q.
Identifiers: ClinVar variation 1923178 (VCV001923178.5), dbSNP rs1274538546, ClinGen allele CA362104271.